The following is an entry in ClinVar:

NM_020632.3(ATP6V0A4):c.1457T>C (p.Met486Thr)

Gene: ATP6V0A4 (ATPase H+ transporting V0 subunit a4; minus strand). Cytogenetic location: 7q34.
Variant type: single nucleotide variant.
Coding change: c.1457T>C on transcript NM_020632.3 (MANE Select); coding-DNA position 1457, T replaced by C.
Protein change: p.Met486Thr; replaces methionine 486 with threonine.
Molecular consequence: missense variant.
Genome position (GRCh38, 1-based): chr7:138,745,144, A>G on the plus strand (T>C on the coding strand, the complement: ATP6V0A4 is on the minus strand). VCF-style: chr7-138745144-A-G. GRCh37 (hg19) VCF-style: chr7-138429889-A-G.
Other names: c.1457T>C, p.Met486Thr (NM_130840.3, NM_130841.3); short protein forms M486T.
Identifiers: ClinVar variation 1520961 (VCV001520961.6), dbSNP rs765335787, ClinGen allele CA4504776.

ClinVar aggregate classification (germline): Uncertain significance (1 of 4 stars; one submission).

Allele frequency attached by ClinVar (database versions not stated): ExAC 0.00004; gnomAD exomes 0.00004 and 0.00008; gnomAD 0.00005; TOPMed 0.00010.
gnomAD v4.1: 36 of 1,614,046 alleles (0.0022%); highest among the groups gnomAD compares: Admixed American, 0.053%; no homozygotes.

Submission:

Labcorp Genetics (formerly Invitae), Labcorp
Classification: Uncertain significance. Last evaluated: 2022-07-16. Review status: criteria provided, single submitter. Criteria: Invitae Variant Classification Sherloc (09022015). Collection method: clinical testing. Allele origin: germline.
Comment: This variant has not been reported in the literature in individuals affected with ATP6V0A4-related conditions. This variant is present in population databases (rs765335787, gnomAD 0.06%). This sequence change replaces methionine, which is neutral and non-polar, with threonine, which is neutral and polar, at codon 486 of the ATP6V0A4 protein (p.Met486Thr). ClinVar contains an entry for this variant (Variation ID: 1520961). In summary, the available evidence is currently insufficient to determine the role of this variant in disease. Therefore, it has been classified as a Variant of Uncertain Significance. Algorithms developed to predict the effect of missense changes on protein structure and function are either unavailable or do not agree on the potential impact of this missense change (SIFT: "Tolerated"; PolyPhen-2: "Possibly Damaging"; Align-GVGD: "Class C0").